The following is an entry in ClinVar:

NM_178452.6(DNAAF1):c.332C>T (p.Thr111Met)

Gene: DNAAF1 (dynein axonemal assembly factor 1; plus strand). Cytogenetic location: 16q24.1.
Variant type: single nucleotide variant.
Coding change: c.332C>T on transcript NM_178452.6 (MANE Select); coding-DNA position 332, C replaced by T.
Protein change: p.Thr111Met; replaces threonine 111 with methionine.
Molecular consequence: missense variant.
Genome position (GRCh38, 1-based): chr16:84,150,322, C>T. VCF-style: chr16-84150322-C-T. GRCh37 (hg19) VCF-style: chr16-84183927-C-T.
Other names: short protein forms T111M.
Identifiers: ClinVar variation 568488 (VCV000568488.6), dbSNP rs375812500, ClinGen allele CA8202446.

ClinVar aggregate classification (germline): Uncertain significance (1 of 4 stars; one submission).

Conditions:
Primary ciliary dyskinesia. Also called: Ciliary dyskinesia. Identifiers: Orphanet 244, MedGen C0008780, MONDO:0016575, HP:0012265.

Allele frequency attached by ClinVar (database versions not stated): gnomAD 0.00003; TOPMed 0.00006; ESP Exome Variant Server 0.00008.
gnomAD v4.1: 18 of 1,612,752 alleles (0.0011%); highest among the groups gnomAD compares: East Asian, 0.0045%; no homozygotes.

Submission:

Labcorp Genetics (formerly Invitae), Labcorp
Classification: Uncertain significance for Primary ciliary dyskinesia. Last evaluated: 2022-02-24. Review status: criteria provided, single submitter. Criteria: Invitae Variant Classification Sherloc (09022015). Collection method: clinical testing. Allele origin: germline.
Comment: This sequence change replaces threonine, which is neutral and polar, with methionine, which is neutral and non-polar, at codon 111 of the DNAAF1 protein (p.Thr111Met). This variant is present in population databases (rs375812500, gnomAD 0.006%). This variant has not been reported in the literature in individuals affected with DNAAF1-related conditions. ClinVar contains an entry for this variant (Variation ID: 568488). Algorithms developed to predict the effect of missense changes on protein structure and function are either unavailable or do not agree on the potential impact of this missense change (SIFT: "Deleterious"; PolyPhen-2: "Probably Damaging"; Align-GVGD: "Class C0"). In summary, the available evidence is currently insufficient to determine the role of this variant in disease. Therefore, it has been classified as a Variant of Uncertain Significance.